The following is an entry in ClinVar:

NM_001321120.2(TBX4):c.1167dup (p.Arg390fs)

Gene: TBX4 (T-box transcription factor 4; plus strand). Cytogenetic location: 17q23.2.
Variant type: Duplication.
Coding change: c.1167dup on transcript NM_001321120.2 (MANE Select); coding-DNA position 1167, one base duplicated (C; older notation c.1167dupC).
Protein change: p.Arg390fs; shifts the reading frame from arginine 390.
Molecular consequence: frameshift variant.
Genome position (GRCh38, 1-based): chr17:61,483,042, C duplicated; the last of 5 consecutive C bases (chr17:61,483,038-61,483,042); duplicating any one gives the same sequence. VCF-style (leftmost placement, unchanged base first): chr17-61483037-A-AC. GRCh37 (hg19) VCF-style: chr17-59560398-A-AC.
Other names: c.1164dup, p.Arg389fs (NM_018488.3); short protein forms R389fs, R390fs.
Identifiers: ClinVar variation 1341420 (VCV001341420.8), dbSNP rs1569046598, ClinGen allele CA1139768380.

ClinVar aggregate classification (germline): Pathogenic. Review status: criteria provided, multiple submitters, no conflicts (2 of 4 stars). 3 submissions from 3 submitters: Pathogenic (2). 1 of the submissions does not count toward it. Last evaluated 2025-11-01.

Conditions:
TBX4-related disorder. Also called: TBX4-related disorders; TBX4-related condition.
Coxopodopatellar syndrome. Also called: Small patella syndrome; ISCHIOPATELLAR DYSPLASIA; ISCHIOCOXOPODOPATELLAR SYNDROME; PATELLA APLASIA, COXA VARA, AND TARSAL SYNOSTOSIS; ISCHIOCOXOPODOPATELLAR SYNDROME WITH OR WITHOUT PULMONARY ARTERIAL HYPERTENSION; Congenital coxa vara, patella aplasia and tarsal synostosis. Identifiers: Orphanet 1509, MedGen C1840061, MONDO:0007841, OMIM 147891.

Submissions (3):

Labcorp Genetics (formerly Invitae), Labcorp
Classification: Pathogenic. Last evaluated: 2025-11-01. Review status: criteria provided, single submitter. Criteria: Invitae Variant Classification Sherloc (09022015). Collection method: clinical testing. Allele origin: germline.
Comment: This sequence change creates a premature translational stop signal (p.Arg389Glnfs*30) in the TBX4 gene. While this is not anticipated to result in nonsense mediated decay, it is expected to disrupt the last 157 amino acid(s) of the TBX4 protein. This variant is not present in population databases (gnomAD no frequency). This premature translational stop signal has been observed in individuals with pulmonary arterial hypertension and/or small patella syndrome (PMID: 23592887, 29120062). It has also been observed to segregate with disease in related individuals. ClinVar contains an entry for this variant (Variation ID: 1341420). This variant disrupts a region of the TBX4 protein in which other variant(s) (p.Arg526*) have been determined to be pathogenic (internal data). This suggests that this is a clinically significant region of the protein, and that variants that disrupt it are likely to be disease-causing. For these reasons, this variant has been classified as Pathogenic.

Blueprint Genetics
Classification: Pathogenic for TBX4-related disorders. Last evaluated: 2022-08-02. Review status: criteria provided, single submitter. Criteria: ACMG Guidelines, 2015. Collection method: clinical testing. Allele origin: germline. Affected: yes. Observed: 2 variant alleles.

Wendy Chung Laboratory, Boston Children's Hospital
No classification provided. Condition: Coxopodopatellar syndrome. Review status: no classification provided. Collection method: literature only. Allele origin: paternal, germline. Affected: yes. Observed: 2 variant alleles. Not counted in ClinVar's aggregate classification.

Literature cited by the submitters: PubMed 23592887 (cited by Labcorp Genetics (formerly Invitae), Labcorp and Wendy Chung Laboratory, Boston Children's Hospital); PubMed 29120062 (cited by Labcorp Genetics (formerly Invitae), Labcorp and Wendy Chung Laboratory, Boston Children's Hospital).